The following is an entry in ClinVar:

ClinVar aggregate classification (germline): Likely benign. Review status: criteria provided, single submitter (1 of 4 stars). 2 submissions from 2 submitters: Likely benign (1). 1 of the submissions does not count toward it. Last evaluated 2023-08-04.

Conditions:
PLXNA2-related disorder. Also called: PLXNA2-related condition.

Allele frequency attached by ClinVar (database versions not stated): gnomAD exomes 0.00002 and 0.00006; ExAC 0.00003; gnomAD 0.00006; TOPMed 0.00007; ESP Exome Variant Server 0.00008.
gnomAD v4.1: 89 of 1,614,076 alleles (0.0055%); highest among the groups gnomAD compares: African/African-American, 0.011%; no homozygotes.

Submissions (2):

Labcorp Genetics (formerly Invitae), Labcorp
Classification: Likely benign. Last evaluated: 2023-08-04. Review status: criteria provided, single submitter. Criteria: Invitae Variant Classification Sherloc (09022015). Collection method: clinical testing. Allele origin: germline.

PreventionGenetics, part of Exact Sciences
Classification: Likely benign for PLXNA2-related condition. Last evaluated: 2022-02-11. Review status: no assertion criteria provided. Collection method: clinical testing. Allele origin: germline. Not counted in ClinVar's aggregate classification.
Comment: This variant is classified as likely benign based on ACMG/AMP sequence variant interpretation guidelines (Richards et al. 2015 PMID: 25741868, with internal and published modifications).

NM_025179.4(PLXNA2):c.297C>T (p.Ile99=)

Gene: PLXNA2 (plexin A2; minus strand). Cytogenetic location: 1q32.2.
Variant type: single nucleotide variant.
Coding change: c.297C>T on transcript NM_025179.4 (MANE Select); coding-DNA position 297, C replaced by T.
Protein change: p.Ile99=; no amino-acid change (isoleucine 99 retained).
Molecular consequence: synonymous variant.
Genome position (GRCh38, 1-based): chr1:208,217,626, G>A on the plus strand (C>T on the coding strand, the complement: PLXNA2 is on the minus strand). VCF-style: chr1-208217626-G-A. GRCh37 (hg19) VCF-style: chr1-208390971-G-A.
Other names: c.297C>T (NM_025179.3).
Identifiers: ClinVar variation 1595930 (VCV001595930.10), dbSNP rs369309868, ClinGen allele CA1374094.